The following is an entry in ClinVar:

NM_004100.5(EYA4):c.443A>T (p.Tyr148Phe)

Gene: EYA4 (EYA transcriptional coactivator and phosphatase 4; plus strand). Cytogenetic location: 6q23.2.
Variant type: single nucleotide variant.
Coding change: c.443A>T on transcript NM_004100.5 (MANE Select); coding-DNA position 443, A replaced by T.
Protein change: p.Tyr148Phe; replaces tyrosine 148 with phenylalanine.
Molecular consequence: missense variant.
Genome position (GRCh38, 1-based): chr6:133,462,340, A>T. VCF-style: chr6-133462340-A-T. GRCh37 (hg19) VCF-style: chr6-133783478-A-T.
Other names: c.281A>T, p.Tyr94Phe (NM_001301012.2, NM_001370459.1); c.443A>T, p.Tyr148Phe (NM_001301013.2, NM_172105.4); c.374A>T, p.Tyr125Phe (NM_001370458.1, NM_172103.4); short protein forms Y148F, Y125F, Y94F.
Identifiers: ClinVar variation 851520 (VCV000851520.12), dbSNP rs939001947, ClinGen allele CA148048735.
Genomic context (GRCh38, chr6:133,462,340, plus strand): 5'-CTAAATTAATACACAGTCTTTGTTGCCACAGTAATGCTATTTTTCTGATATTTAGGCCCT[A>T]TCCACACATTCTTTCTACACCAGCAGCTCAAACAATGTCTGCCTATGCAGGCCAGACTCA-3'
Protein context (NP_004091.3, residues 138-158): YSPQLYPSKP[Tyr148Phe]PHILSTPAAQ

ClinVar aggregate classification (germline): Uncertain significance. Review status: criteria provided, multiple submitters, no conflicts (2 of 4 stars). 2 submissions from 2 submitters: Uncertain significance (2). Last evaluated 2025-08-03.

Conditions:
Cardiovascular phenotype. Identifiers: MedGen CN230736.
Dilated cardiomyopathy 1J (CMD1J). Also called: CARDIOMYOPATHY, DILATED, WITH SENSORINEURAL HEARING LOSS, AUTOSOMAL DOMINANT. Identifiers: Orphanet 217622, MedGen C1854368, MONDO:0011541, OMIM 605362.

Allele frequency attached by ClinVar (database versions not stated): gnomAD exomes below 0.00001 and 0.00001; TOPMed below 0.00001.
gnomAD v4.1: 20 of 1,613,866 alleles (0.0012%); highest among the groups gnomAD compares: Non-Finnish European, 0.0017%; no homozygotes.

Submissions (2):

Ambry Genetics
Classification: Uncertain significance for Cardiovascular phenotype. Last evaluated: 2025-08-03. Review status: criteria provided, single submitter. Criteria: Ambry Variant Classification Scheme 2023. Collection method: clinical testing. Allele origin: germline.
Comment: The p.Y148F variant (also known as c.443A>T), located in coding exon 7 of the EYA4 gene, results from an A to T substitution at nucleotide position 443. The tyrosine at codon 148 is replaced by phenylalanine, an amino acid with highly similar properties. This amino acid position is conserved. In addition, the in silico prediction for this alteration is inconclusive. Based on the available evidence, the clinical significance of this variant remains unclear.

Labcorp Genetics (formerly Invitae), Labcorp
Classification: Uncertain significance for Dilated cardiomyopathy 1J. Last evaluated: 2024-09-12. Review status: criteria provided, single submitter. Criteria: Invitae Variant Classification Sherloc (09022015). Collection method: clinical testing. Allele origin: germline.
Comment: This sequence change replaces tyrosine, which is neutral and polar, with phenylalanine, which is neutral and non-polar, at codon 148 of the EYA4 protein (p.Tyr148Phe). This variant is present in population databases (no rsID available, gnomAD 0.0009%). This variant has not been reported in the literature in individuals affected with EYA4-related conditions. ClinVar contains an entry for this variant (Variation ID: 851520). Invitae Evidence Modeling of protein sequence and biophysical properties (such as structural, functional, and spatial information, amino acid conservation, physicochemical variation, residue mobility, and thermodynamic stability) indicates that this missense variant is not expected to disrupt EYA4 protein function with a negative predictive value of 80%. In summary, the available evidence is currently insufficient to determine the role of this variant in disease. Therefore, it has been classified as a Variant of Uncertain Significance.